The following is an entry in ClinVar:

NM_014362.4(HIBCH):c.594A>T (p.Thr198=)

Gene: HIBCH (3-hydroxyisobutyryl-CoA hydrolase; minus strand). Cytogenetic location: 2q32.2.
Variant type: single nucleotide variant.
Coding change: c.594A>T on transcript NM_014362.4 (MANE Select); coding-DNA position 594, A replaced by T.
Protein change: p.Thr198=; no amino-acid change (threonine 198 retained).
Molecular consequence: synonymous variant.
Genome position (GRCh38, 1-based): chr2:190,252,231, T>A on the plus strand (A>T on the coding strand, the complement: HIBCH is on the minus strand). VCF-style: chr2-190252231-T-A. GRCh37 (hg19) VCF-style: chr2-191116957-T-A.
Other names: c.594A>T, p.Thr198= (NM_198047.3).
Identifiers: ClinVar variation 1979125 (VCV001979125.4), dbSNP rs977610199, ClinGen allele CA62621836.

ClinVar aggregate classification (germline): Uncertain significance (1 of 4 stars; one submission).

Conditions:
3-hydroxyisobutyryl-CoA hydrolase deficiency. Also called: Reduced circulating 3-hydroxyisobutyryl-CoA hydrolase activity; Deficiency of 3-hydroxyisobutyryl CoA hydrolase; VALINE METABOLIC DEFECT; HIBCH DEFICIENCY; METHACRYLIC ACID TOXICITY; METHACRYLIC ACIDURIA. Identifiers: Orphanet 88639, MedGen C0342738, MONDO:0009603, OMIM 250620, HP:6000215.

Allele frequency attached by ClinVar (database versions not stated): gnomAD 0.00001.
gnomAD v4.1: 2 of 1,613,648 alleles (0.00012%); highest among the groups gnomAD compares: Admixed American, 0.0033%; no homozygotes.

Submission:

Labcorp Genetics (formerly Invitae), Labcorp
Classification: Uncertain significance for 3-hydroxyisobutyryl-CoA hydrolase deficiency. Last evaluated: 2023-08-10. Review status: criteria provided, single submitter. Criteria: Invitae Variant Classification Sherloc (09022015). Collection method: clinical testing. Allele origin: germline.
Comment: In summary, the available evidence is currently insufficient to determine the role of this variant in disease. Therefore, it has been classified as a Variant of Uncertain Significance. Algorithms developed to predict the effect of sequence changes on RNA splicing suggest that this variant may disrupt the consensus splice site. ClinVar contains an entry for this variant (Variation ID: 1979125). This variant has not been reported in the literature in individuals affected with HIBCH-related conditions. This variant is present in population databases (no rsID available, gnomAD 0.003%). This sequence change affects codon 198 of the HIBCH mRNA. It is a 'silent' change, meaning that it does not change the encoded amino acid sequence of the HIBCH protein.